The following is an entry in ClinVar:

ClinVar aggregate classification (germline): Uncertain significance. Review status: criteria provided, multiple submitters, no conflicts (2 of 4 stars). 2 submissions from 2 submitters: Uncertain significance (2). Last evaluated 2024-10-07.

Conditions:
Neuropathy, hereditary sensory and autonomic, type 2A (HSAN2A). Also called: HSAN IIA; WNK1-Related HSAN2 (HSAN2A); ACROOSTEOLYSIS, GIACCAI TYPE; ACROOSTEOLYSIS, NEUROGENIC; MORVAN DISEASE; NEUROPATHY, CONGENITAL SENSORY. Identifiers: Orphanet 970, MedGen C2752089, MONDO:0024309, OMIM 201300.
Pseudohypoaldosteronism type 2C (PHA2C). Also called: Pseudohypoaldosteronism Type IIC. Identifiers: Orphanet 757, Orphanet 88940, MedGen C1840391, MONDO:0013778, OMIM 614492.

Allele frequency attached by ClinVar (database versions not stated): gnomAD 0.00001; gnomAD exomes 0.00001; TOPMed 0.00001.
gnomAD v4.1: 9 of 1,614,060 alleles (0.00056%); highest among the groups gnomAD compares: Admixed American, 0.015%; no homozygotes.

Submissions (2):

Labcorp Genetics (formerly Invitae), Labcorp
Classification: Uncertain significance for Neuropathy, hereditary sensory and autonomic, type 2A; Pseudohypoaldosteronism type 2C. Last evaluated: 2024-10-07. Review status: criteria provided, single submitter. Criteria: Invitae Variant Classification Sherloc (09022015). Collection method: clinical testing. Allele origin: germline.
Comment: This sequence change replaces proline, which is neutral and non-polar, with leucine, which is neutral and non-polar, at codon 2487 of the WNK1 protein (p.Pro2487Leu). This variant is present in population databases (no rsID available, gnomAD 0.01%). This variant has not been reported in the literature in individuals affected with WNK1-related conditions. ClinVar contains an entry for this variant (Variation ID: 1966379). Invitae Evidence Modeling of protein sequence and biophysical properties (such as structural, functional, and spatial information, amino acid conservation, physicochemical variation, residue mobility, and thermodynamic stability) indicates that this missense variant is not expected to disrupt WNK1 protein function with a negative predictive value of 95%. In summary, the available evidence is currently insufficient to determine the role of this variant in disease. Therefore, it has been classified as a Variant of Uncertain Significance.

Mayo Clinic Laboratories, Mayo Clinic
Classification: Uncertain significance. Last evaluated: 2023-11-03. Review status: criteria provided, single submitter. Criteria: ACMG Guidelines, 2015. Collection method: clinical testing. Allele origin: germline. Observed: 1 variant allele.

NM_018979.4(WNK1):c.6704C>T (p.Pro2235Leu)

Gene: WNK1 (WNK lysine deficient protein kinase 1; plus strand). Cytogenetic location: 12p13.33.
Variant type: single nucleotide variant.
Coding change: c.6704C>T on transcript NM_018979.4 (MANE Select); coding-DNA position 6704, C replaced by T.
Protein change: p.Pro2235Leu; replaces proline 2235 with leucine.
Molecular consequence: missense variant.
Genome position (GRCh38, 1-based): chr12:907,907, C>T. VCF-style: chr12-907907-C-T. GRCh37 (hg19) VCF-style: chr12-1017073-C-T.
Other names: p.Pro2235Leu; c.7484C>T, p.Pro2495Leu (NM_001184985.2); c.5960C>T, p.Pro1987Leu (NM_014823.3); c.7460C>T, p.Pro2487Leu (NM_213655.5); short protein forms P1987L, P2235L, P2487L, P2495L.
Identifiers: ClinVar variation 1966379 (VCV001966379.6), dbSNP rs1234999175, ClinGen allele CA383340439.
Genomic context (GRCh38, chr12:907,907, plus strand): 5'-GAACCAGCAGCACAAACACTGTTGGGGCAACAGTGAACAGCCAAGCCGCCCAAGCTCAGC[C>T]TCCTGCCATGACGTCCAGCAGGAAGGGCACATTCACAGATGACTTGCACAAGTTGGTAGA-3'
Protein context (NP_061852.3, residues 2225-2245): TVNSQAAQAQ[Pro2235Leu]PAMTSSRKGT